The following is an entry in ClinVar:

ClinVar aggregate classification (germline): Conflicting classifications of pathogenicity. Review status: criteria provided, conflicting classifications (1 of 4 stars). 2 submissions from 2 submitters: Uncertain significance (1); Likely benign (1). Last evaluated 2025-09-22.

gnomAD v4.1: 4 of 1,585,986 alleles (0.00025%); highest among the groups gnomAD compares: East Asian, 0.0089%; no homozygotes.

Submissions (2):

Dasa
Classification: Uncertain significance. Last evaluated: 2025-09-22. Review status: criteria provided, single submitter. Criteria: DASA Assertion Criteria. Collection method: clinical testing. Allele origin: germline.
Comment: NM_001128840.3(CACNA1D):c.4202+7G>A is a splice-region variant. This variant is rare in population databases. Computational prediction algorithms are consistent with a benign effect. The currently available literature and clinical evidence are not sufficient to establish a definitive association between this variant and the reported condition. Therefore, this variant is classified as a variant of uncertain significance.

Labcorp Genetics (formerly Invitae), Labcorp
Classification: Likely benign. Last evaluated: 2024-11-25. Review status: criteria provided, single submitter. Criteria: Invitae Variant Classification Sherloc (09022015). Collection method: clinical testing. Allele origin: germline.

NM_001128840.3(CACNA1D):c.4202+7G>A

Gene: CACNA1D (calcium voltage-gated channel subunit alpha1 D; plus strand). Cytogenetic location: 3p21.1.
Variant type: single nucleotide variant.
Coding change: c.4202+7G>A on transcript NM_001128840.3 (MANE Select); 7 bases into the intron after coding-DNA position 4202, G replaced by A.
Molecular consequence: intron variant.
Genome position (GRCh38, 1-based): chr3:53,774,685, G>A. VCF-style: chr3-53774685-G-A. GRCh37 (hg19) VCF-style: chr3-53808712-G-A.
Other names: c.4157+7G>A (NM_001128839.3); c.4262+7G>A (NM_000720.4).
Identifiers: ClinVar variation 3681954 (VCV003681954.4).